The following is an entry in ClinVar:

NM_017617.5(NOTCH1):c.7510G>A (p.Val2504Met)

Gene: NOTCH1 (notch receptor 1; minus strand). Cytogenetic location: 9q34.3.
Variant type: single nucleotide variant.
Coding change: c.7510G>A on transcript NM_017617.5 (MANE Select); coding-DNA position 7510, G replaced by A.
Protein change: p.Val2504Met; replaces valine 2504 with methionine.
Molecular consequence: missense variant.
Genome position (GRCh38, 1-based): chr9:136,496,229, C>T on the plus strand (G>A on the coding strand, the complement: NOTCH1 is on the minus strand). VCF-style: chr9-136496229-C-T. GRCh37 (hg19) VCF-style: chr9-139390681-C-T.
Other names: short protein forms V2504M.
Identifiers: ClinVar variation 1504481 (VCV001504481.6), dbSNP rs2133314443, ClinGen allele CA375626051.
Genomic context (GRCh38, chr9:136,496,229, plus strand): 5'-ACGAGCTGGACCACTGGTCAGGGGACTCAGGGGACGGGGTGAGGAAGGGGTGCTCAGGCA[C>T]CTGTAGCTGGTGGCTGGGGGTGTTGTCCACAGGCGAGGAGTAGCTGTGCTGCGAGGGGGG-3'
Protein context (NP_060087.3, residues 2494-2514): VDNTPSHQLQ[Val2504Met]PEHPFLTPSP

ClinVar aggregate classification (germline): Uncertain significance (1 of 4 stars; one submission).

Conditions:
Adams-Oliver syndrome 5 (AOS5). Identifiers: Orphanet 974, MedGen C4014970, MONDO:0014459, OMIM 616028.

Allele frequency attached by ClinVar (database versions not stated): gnomAD exomes below 0.00001.
gnomAD v4.1: 1 of 1,606,848 alleles (0.000062%); highest among the groups gnomAD compares: Non-Finnish European, 0.000085%; no homozygotes.

Submission:

Labcorp Genetics (formerly Invitae), Labcorp
Classification: Uncertain significance for Adams-Oliver syndrome 5. Last evaluated: 2021-11-08. Review status: criteria provided, single submitter. Criteria: Invitae Variant Classification Sherloc (09022015). Collection method: clinical testing. Allele origin: germline.
Comment: In summary, the available evidence is currently insufficient to determine the role of this variant in disease. Therefore, it has been classified as a Variant of Uncertain Significance. Advanced modeling of protein sequence and biophysical properties (such as structural, functional, and spatial information, amino acid conservation, physicochemical variation, residue mobility, and thermodynamic stability) performed at Invitae indicates that this missense variant is not expected to disrupt NOTCH1 protein function. This variant has not been reported in the literature in individuals affected with NOTCH1-related conditions. This variant is not present in population databases (gnomAD no frequency). This sequence change replaces valine, which is neutral and non-polar, with methionine, which is neutral and non-polar, at codon 2504 of the NOTCH1 protein (p.Val2504Met).